The following is an entry in ClinVar:

ClinVar aggregate classification (germline): Uncertain significance. Review status: criteria provided, multiple submitters, no conflicts (2 of 4 stars). 3 submissions from 3 submitters: Uncertain significance (3). Last evaluated 2025-12-01.

Conditions:
Hereditary cancer-predisposing syndrome. Also called: Neoplastic Syndromes, Hereditary; Hereditary Cancer Syndrome; Tumor predisposition; Hereditary neoplastic syndrome. Identifiers: Orphanet 140162, MedGen C0027672, MeSH D009386, MONDO:0015356.

Allele frequency attached by ClinVar (database versions not stated): gnomAD exomes below 0.00001 and 0.00001; TOPMed below 0.00001; ExAC 0.00001; gnomAD 0.00001.
gnomAD v4.1: 8 of 1,606,928 alleles (0.0005%); highest among the groups gnomAD compares: Non-Finnish European, 0.0006%; no homozygotes.

Submissions (3):

CeGaT Center for Human Genetics Tuebingen
Classification: Uncertain significance. Last evaluated: 2025-12-01. Review status: criteria provided, single submitter. Criteria: CeGaT Center For Human Genetics Tuebingen Variant Classification Criteria Version 2. Collection method: clinical testing. Allele origin: germline. Affected: yes. Observed: 1 variant allele.
Comment: RAD50: PM2, BP4

Labcorp Genetics (formerly Invitae), Labcorp
Classification: Uncertain significance for Hereditary cancer-predisposing syndrome. Last evaluated: 2025-07-21. Review status: criteria provided, single submitter. Criteria: Invitae Variant Classification Sherloc (09022015). Collection method: clinical testing. Allele origin: germline.
Comment: This sequence change replaces asparagine, which is neutral and polar, with aspartic acid, which is acidic and polar, at codon 613 of the RAD50 protein (p.Asn613Asp). This variant is present in population databases (rs771525293, gnomAD 0.002%). This variant has not been reported in the literature in individuals affected with RAD50-related conditions. ClinVar contains an entry for this variant (Variation ID: 233308). Invitae Evidence Modeling of protein sequence and biophysical properties (such as structural, functional, and spatial information, amino acid conservation, physicochemical variation, residue mobility, and thermodynamic stability) indicates that this missense variant is not expected to disrupt RAD50 protein function with a negative predictive value of 80%. In summary, the available evidence is currently insufficient to determine the role of this variant in disease. Therefore, it has been classified as a Variant of Uncertain Significance.

Ambry Genetics
Classification: Uncertain significance for Hereditary cancer-predisposing syndrome. Last evaluated: 2024-06-21. Review status: criteria provided, single submitter. Criteria: Ambry Variant Classification Scheme 2023. Collection method: clinical testing. Allele origin: germline.
Comment: The p.N613D variant (also known as c.1837A>G), located in coding exon 12 of the RAD50 gene, results from an A to G substitution at nucleotide position 1837. The asparagine at codon 613 is replaced by aspartic acid, an amino acid with highly similar properties. This amino acid position is not well conserved in available vertebrate species. In addition, this alteration is predicted to be tolerated by in silico analysis. Since supporting evidence is limited at this time, the clinical significance of this alteration remains unclear.

NM_005732.4(RAD50):c.1837A>G (p.Asn613Asp)

Gene: RAD50 (RAD50 double strand break repair protein; plus strand). Cytogenetic location: 5q31.1.
Variant type: single nucleotide variant.
Coding change: c.1837A>G on transcript NM_005732.4 (MANE Select); coding-DNA position 1837, A replaced by G.
Protein change: p.Asn613Asp; replaces asparagine 613 with aspartic acid.
Molecular consequence: missense variant.
Genome position (GRCh38, 1-based): chr5:132,594,912, A>G. VCF-style: chr5-132594912-A-G. GRCh37 (hg19) VCF-style: chr5-131930604-A-G.
Other names: short protein forms N613D.
Identifiers: ClinVar variation 233308 (VCV000233308.22), dbSNP rs771525293, ClinGen allele CA3405285.